The following is an entry in ClinVar:

NM_001848.3(COL6A1):c.1400G>A (p.Gly467Asp)

Gene: COL6A1 (collagen type VI alpha 1 chain; plus strand). Cytogenetic location: 21q22.3.
Variant type: single nucleotide variant.
Coding change: c.1400G>A on transcript NM_001848.3 (MANE Select); coding-DNA position 1400, G replaced by A.
Protein change: p.Gly467Asp; replaces glycine 467 with aspartic acid.
Molecular consequence: missense variant.
Genome position (GRCh38, 1-based): chr21:45,997,422, G>A. VCF-style: chr21-45997422-G-A. GRCh37 (hg19) VCF-style: chr21-47417336-G-A.
Other names: short protein forms G467D.
Identifiers: ClinVar variation 2045648 (VCV002045648.4), dbSNP rs2526336619, ClinGen allele CA410528040.

ClinVar aggregate classification (germline): Uncertain significance (1 of 4 stars; one submission).

Conditions:
Bethlem myopathy 1A. Also called: MYOPATHY, BENIGN CONGENITAL, WITH CONTRACTURES; Bethlem Muscular Dystrophy; Bethlem myopathy 1. Identifiers: Orphanet 610, MedGen CN029274, MONDO:0024530, OMIM 158810.

Submission:

Labcorp Genetics (formerly Invitae), Labcorp
Classification: Uncertain significance for Bethlem myopathy 1A. Last evaluated: 2022-10-17. Review status: criteria provided, single submitter. Criteria: Invitae Variant Classification Sherloc (09022015). Collection method: clinical testing. Allele origin: germline.
Comment: This variant is not present in population databases (gnomAD no frequency). This sequence change replaces glycine, which is neutral and non-polar, with aspartic acid, which is acidic and polar, at codon 467 of the COL6A1 protein (p.Gly467Asp). This variant has not been reported in the literature in individuals affected with COL6A1-related conditions. In summary, the available evidence is currently insufficient to determine the role of this variant in disease. Therefore, it has been classified as a Variant of Uncertain Significance. This variant disrupts the triple helix domain of COL6A1. Glycine residues within the Gly-Xaa-Yaa repeats of the triple helix domain are required for the structure and stability of fibrillar collagens (PMID: 7695699, 8218237, 19344236). In COL6A1, variants at these glycine residues are significantly enriched in individuals with autosomal dominant disease (PMID: 15689448, 24038877) compared to the general population (ExAC). Algorithms developed to predict the effect of missense changes on protein structure and function are either unavailable or do not agree on the potential impact of this missense change (SIFT: "Deleterious"; PolyPhen-2: "Probably Damaging"; Align-GVGD: "Class C0").

Literature cited by the submitters: PubMed 7695699; PubMed 8218237; PubMed 19344236; PubMed 15689448; PubMed 24038877.